The following is an entry in ClinVar:

ClinVar aggregate classification (germline): Uncertain significance. Review status: criteria provided, multiple submitters, no conflicts (2 of 4 stars). 2 submissions from 2 submitters: Uncertain significance (2). Last evaluated 2025-10-10.

Allele frequency attached by ClinVar (database versions not stated): gnomAD exomes 0.00002; ExAC 0.00003; TOPMed 0.00003; gnomAD 0.00005; 1000 Genomes Project 0.00040; 1000 Genomes Project 30x 0.00047.
gnomAD v4.1: 33 of 1,613,148 alleles (0.002%); highest among the groups gnomAD compares: African/African-American, 0.008%; no homozygotes.

Submissions (2):

Labcorp Genetics (formerly Invitae), Labcorp
Classification: Uncertain significance. Last evaluated: 2025-10-10. Review status: criteria provided, single submitter. Criteria: Invitae Variant Classification Sherloc (09022015). Collection method: clinical testing. Allele origin: germline.
Comment: This sequence change replaces arginine, which is basic and polar, with histidine, which is basic and polar, at codon 351 of the MICAL1 protein (p.Arg351His). This variant is present in population databases (rs567220238, gnomAD 0.01%). This variant has not been reported in the literature in individuals affected with MICAL1-related conditions. ClinVar contains an entry for this variant (Variation ID: 2165321). An algorithm developed to predict the effect of missense changes on protein structure and function outputs the following: PolyPhen-2: "Benign". The histidine amino acid residue is found in multiple mammalian species, which suggests that this missense change does not adversely affect protein function. In summary, the available evidence is currently insufficient to determine the role of this variant in disease. Therefore, it has been classified as a Variant of Uncertain Significance.

Ambry Genetics
Classification: Uncertain significance. Last evaluated: 2025-03-17. Review status: criteria provided, single submitter. Criteria: Ambry Variant Classification Scheme 2023. Collection method: clinical testing. Allele origin: germline.

NM_022765.4(MICAL1):c.995G>A (p.Arg332His)

Gene: MICAL1 (microtubule associated monooxygenase, calponin and LIM domain containing 1; minus strand). Cytogenetic location: 6q21.
Variant type: single nucleotide variant.
Coding change: c.995G>A on transcript NM_022765.4 (MANE Select); coding-DNA position 995, G replaced by A.
Protein change: p.Arg332His; replaces arginine 332 with histidine.
Molecular consequence: missense variant. On other transcripts: intron variant (1).
Genome position (GRCh38, 1-based): chr6:109,450,496, C>T on the plus strand (G>A on the coding strand, the complement: MICAL1 is on the minus strand). VCF-style: chr6-109450496-C-T. GRCh37 (hg19) VCF-style: chr6-109771699-C-T.
Other names: c.995G>A (NM_022765.3); c.1052G>A, p.Arg351His (NM_001286613.2); c.934-411G>A (NM_001159291.2); short protein forms R332H, R351H.
Identifiers: ClinVar variation 2165321 (VCV002165321.5), dbSNP rs567220238, ClinGen allele CA3953528.